The following is an entry in ClinVar:

ClinVar aggregate classification (germline): Uncertain significance (1 of 4 stars; one submission).

gnomAD v4.1: 1 of 1,592,508 alleles (0.000063%); highest among the groups gnomAD compares: Non-Finnish European, 0.000085%; no homozygotes.

Submission:

Labcorp Genetics (formerly Invitae), Labcorp
Classification: Uncertain significance. Last evaluated: 2022-04-24. Review status: criteria provided, single submitter. Criteria: Invitae Variant Classification Sherloc (09022015). Collection method: clinical testing. Allele origin: germline.
Comment: Algorithms developed to predict the effect of missense changes on protein structure and function (SIFT, PolyPhen-2, Align-GVGD) all suggest that this variant is likely to be tolerated. This variant has not been reported in the literature in individuals affected with TUBGCP6-related conditions. This variant is not present in population databases (gnomAD no frequency). This sequence change replaces threonine, which is neutral and polar, with serine, which is neutral and polar, at codon 963 of the TUBGCP6 protein (p.Thr963Ser). In summary, the available evidence is currently insufficient to determine the role of this variant in disease. Therefore, it has been classified as a Variant of Uncertain Significance.

NM_020461.4(TUBGCP6):c.2888C>G (p.Thr963Ser)

Gene: TUBGCP6 (tubulin gamma complex component 6; minus strand). Cytogenetic location: 22q13.33.
Variant type: single nucleotide variant.
Coding change: c.2888C>G on transcript NM_020461.4 (MANE Select); coding-DNA position 2888, C replaced by G.
Protein change: p.Thr963Ser; replaces threonine 963 with serine.
Molecular consequence: missense variant.
Genome position (GRCh38, 1-based): chr22:50,221,471, G>C on the plus strand (C>G on the coding strand, the complement: TUBGCP6 is on the minus strand). VCF-style: chr22-50221471-G-C. GRCh37 (hg19) VCF-style: chr22-50659900-G-C.
Other names: short protein forms T963S.
Identifiers: ClinVar variation 2046012 (VCV002046012.2), dbSNP rs753044519, ClinGen allele CA412186133.
Genomic context (GRCh38, chr22:50,221,471, plus strand): 5'-TGTAGCCCTGAGCTGCCCAAGCTGCACTCTGCAGCCTGCAGGGGCCCTGGTGCAGGTGAG[G>C]TGGCCACAGCTGGCCTCAGGACAGTACTAAAGTCGTACTCCTGTGGCCTGGAGGGCTGAG-3'
Protein context (NP_065194.3, residues 953-973): FSTVLRPAVA[Thr963Ser]SPAPGPLQAA